The following is an entry in ClinVar:

ClinVar aggregate classification (germline): Uncertain significance (1 of 4 stars; one submission).

Conditions:
SDCCAG8-related disorder. Also called: SDCCAG8-related condition; SDCCAG8-Related Disorders.

gnomAD v4.1: 12 of 1,614,010 alleles (0.00074%); highest among the groups gnomAD compares: East Asian, 0.0067%; no homozygotes.

Submission:

PreventionGenetics, part of Exact Sciences
Classification: Uncertain significance for SDCCAG8-related condition. Last evaluated: 2024-11-14. Review status: criteria provided, single submitter. Criteria: ACMG Guidelines, 2015. Collection method: clinical testing. Allele origin: germline.
Comment: The SDCCAG8 c.161C>T variant is predicted to result in the amino acid substitution p.Thr54Ile. To our knowledge, this variant has not been reported in the literature. This variant is reported in 0.0050% of alleles in individuals of East Asian descent in gnomAD. At this time, the clinical significance of this variant is uncertain due to the absence of conclusive functional and genetic evidence.

NM_006642.5(SDCCAG8):c.161C>T (p.Thr54Ile)

Gene: SDCCAG8 (SHH signaling and ciliogenesis regulator SDCCAG8; plus strand). Cytogenetic location: 1q43.
Variant type: single nucleotide variant.
Coding change: c.161C>T on transcript NM_006642.5 (MANE Select); coding-DNA position 161, C replaced by T.
Protein change: p.Thr54Ile; replaces threonine 54 with isoleucine.
Molecular consequence: missense variant. On other transcripts: 5 prime UTR variant (4).
Genome position (GRCh38, 1-based): chr1:243,270,198, C>T. VCF-style: chr1-243270198-C-T. GRCh37 (hg19) VCF-style: chr1-243433500-C-T.
Other names: c.-952C>T (NM_001350246.2); c.-840C>T (NM_001350247.2); c.161C>T, p.Thr54Ile (NM_001350248.2); c.-134C>T (NM_001350249.2); c.-1213C>T (NM_001350251.2); short protein forms T54I.
Identifiers: ClinVar variation 4998966 (VCV004998966.1).